The following is an entry in ClinVar:

ClinVar aggregate classification (germline): Uncertain significance (1 of 4 stars; one submission).

Conditions:
Familial melanoma. Also called: Hereditary melanoma; Hereditary cutaneous melanoma. Identifiers: Orphanet 618, MedGen C1512419, MONDO:0018961.

gnomAD v4.1: 1 of 1,614,190 alleles (0.000062%); highest among the groups gnomAD compares: Non-Finnish European, 0.000085%; no homozygotes.

Submission:

Labcorp Genetics (formerly Invitae), Labcorp
Classification: Uncertain significance for Familial melanoma. Last evaluated: 2023-12-01. Review status: criteria provided, single submitter. Criteria: Invitae Variant Classification Sherloc (09022015). Collection method: clinical testing. Allele origin: germline.
Comment: This sequence change replaces alanine, which is neutral and non-polar, with threonine, which is neutral and polar, at codon 114 of the CDK4 protein (p.Ala114Thr). This variant is not present in population databases (gnomAD no frequency). This variant has not been reported in the literature in individuals affected with CDK4-related conditions. Advanced modeling of protein sequence and biophysical properties (such as structural, functional, and spatial information, amino acid conservation, physicochemical variation, residue mobility, and thermodynamic stability) performed at Invitae indicates that this missense variant is not expected to disrupt CDK4 protein function with a negative predictive value of 95%. In summary, the available evidence is currently insufficient to determine the role of this variant in disease. Therefore, it has been classified as a Variant of Uncertain Significance.

NM_000075.4(CDK4):c.340G>A (p.Ala114Thr)

Gene: CDK4 (cyclin dependent kinase 4; minus strand). Cytogenetic location: 12q14.1.
Variant type: single nucleotide variant.
Coding change: c.340G>A on transcript NM_000075.4 (MANE Select); coding-DNA position 340, G replaced by A.
Protein change: p.Ala114Thr; replaces alanine 114 with threonine.
Molecular consequence: missense variant.
Genome position (GRCh38, 1-based): chr12:57,751,221, C>T on the plus strand (G>A on the coding strand, the complement: CDK4 is on the minus strand). VCF-style: chr12-57751221-C-T. GRCh37 (hg19) VCF-style: chr12-58145004-C-T.
Other names: short protein forms A114T.
Identifiers: ClinVar variation 2700251 (VCV002700251.3), dbSNP rs1955233266, ClinGen allele CA385547535.
Genomic context (GRCh38, chr12:57,751,221, plus strand): 5'-TACAAAGGTCCCAATCCACCTCTCAATGCCTACCAACCCCACTCACCTTGATCGTTTCGG[C>T]TGGCAAGCCTGGTGGGGGTGCCTTGTCCAGATATGTCCTTAGGTCCTGGTCTACATGCTC-3'
Protein context (NP_000066.1, residues 104-124): LDKAPPPGLP[Ala114Thr]ETIKDLMRQF